The following is an entry in ClinVar:

ClinVar aggregate classification (germline): Uncertain significance (1 of 4 stars; one submission).

Submission:

Labcorp Genetics (formerly Invitae), Labcorp
Classification: Uncertain significance. Last evaluated: 2019-11-06. Review status: criteria provided, single submitter. Criteria: Invitae Variant Classification Sherloc (09022015). Collection method: clinical testing. Allele origin: germline.
Comment: Algorithms developed to predict the effect of missense changes on protein structure and function are either unavailable or do not agree on the potential impact of this missense change (SIFT: "Tolerated"; PolyPhen-2: "Probably Damaging"; Align-GVGD: "Class C0"). This sequence change replaces histidine with aspartic acid at codon 1108 of the POLE protein (p.His1108Asp). The histidine residue is highly conserved and there is a moderate physicochemical difference between histidine and aspartic acid. This variant is not present in population databases (ExAC no frequency). This variant has not been reported in the literature in individuals with POLE-related conditions. In summary, the available evidence is currently insufficient to determine the role of this variant in disease. Therefore, it has been classified as a Variant of Uncertain Significance.

NM_006231.4(POLE):c.3322C>G (p.His1108Asp)

Gene: POLE (DNA polymerase epsilon, catalytic subunit; minus strand). Cytogenetic location: 12q24.33.
Variant type: single nucleotide variant.
Coding change: c.3322C>G on transcript NM_006231.4 (MANE Select); coding-DNA position 3322, C replaced by G.
Protein change: p.His1108Asp; replaces histidine 1108 with aspartic acid.
Molecular consequence: missense variant.
Genome position (GRCh38, 1-based): chr12:132,657,924, G>C on the plus strand (C>G on the coding strand, the complement: POLE is on the minus strand). VCF-style: chr12-132657924-G-C. GRCh37 (hg19) VCF-style: chr12-133234510-G-C.
Other names: short protein forms H1108D.
Identifiers: ClinVar variation 966988 (VCV000966988.9), dbSNP rs2042582840, ClinGen allele CA387389698.